The following is an entry in ClinVar:

ClinVar aggregate classification (germline): Uncertain significance (1 of 4 stars; one submission).

Conditions:
Familial adenomatous polyposis 1 (FAP1). Also called: FAMILIAL ADENOMATOUS POLYPOSIS 1, ATTENUATED; POLYPOSIS, ADENOMATOUS INTESTINAL. Identifiers: MedGen C2713442, MONDO:0021056, OMIM 175100. Disease mechanism: loss of function.

Allele frequency attached by ClinVar (database versions not stated): gnomAD exomes below 0.00001; ExAC 0.00001.
gnomAD v4.1: 2 of 1,614,208 alleles (0.00012%); highest among the groups gnomAD compares: South Asian, 0.0011%; no homozygotes.

Submission:

Labcorp Genetics (formerly Invitae), Labcorp
Classification: Uncertain significance for Familial adenomatous polyposis 1. Last evaluated: 2022-03-01. Review status: criteria provided, single submitter. Criteria: Invitae Variant Classification Sherloc (09022015). Collection method: clinical testing. Allele origin: germline.
Comment: This variant has not been reported in the literature in individuals affected with APC-related conditions. In summary, the available evidence is currently insufficient to determine the role of this variant in disease. Therefore, it has been classified as a Variant of Uncertain Significance. Algorithms developed to predict the effect of missense changes on protein structure and function (SIFT, PolyPhen-2, Align-GVGD) all suggest that this variant is likely to be tolerated. This variant is present in population databases (rs781328009, gnomAD 0.003%). This sequence change replaces threonine, which is neutral and polar, with proline, which is neutral and non-polar, at codon 1537 of the APC protein (p.Thr1537Pro).

NM_000038.6(APC):c.4609A>C (p.Thr1537Pro)

Gene: APC (APC regulator of Wnt signaling pathway; plus strand). Cytogenetic location: 5q22.2.
Variant type: single nucleotide variant.
Coding change: c.4609A>C on transcript NM_000038.6 (MANE Select); coding-DNA position 4609, A replaced by C.
Protein change: p.Thr1537Pro; replaces threonine 1537 with proline.
Molecular consequence: missense variant.
Genome position (GRCh38, 1-based): chr5:112,840,203, A>C. VCF-style: chr5-112840203-A-C. GRCh37 (hg19) VCF-style: chr5-112175900-A-C.
Other names: c.4609A>C, p.Thr1537Pro (NM_001127510.3, NM_001354895.2, NM_001407450.1); c.4555A>C, p.Thr1519Pro (NM_001127511.3); c.4663A>C, p.Thr1555Pro (NM_001354896.2, NM_001407447.1, NM_001407448.1 and 1 more transcripts); c.4639A>C, p.Thr1547Pro (NM_001354897.2); c.4534A>C, p.Thr1512Pro (NM_001354898.2); c.4525A>C, p.Thr1509Pro (NM_001354899.2); c.4486A>C, p.Thr1496Pro (NM_001354900.2); c.4432A>C, p.Thr1478Pro (NM_001354901.2, NM_001407453.1); and 11 more; short protein forms T1408P, T1478P, T1496P, T1509P, T1537P, T1547P, T1565P, T1153P.
Identifiers: ClinVar variation 2105453 (VCV002105453.4), dbSNP rs781328009, ClinGen allele CA3368168.